The following is an entry in ClinVar:

NM_005921.2(MAP3K1):c.3263G>C (p.Ser1088Thr)

Genes: MAP3K1 (mitogen-activated protein kinase kinase kinase 1; plus strand), LOC126807392 (CDK7 strongly-dependent group 2 enhancer GRCh37_chr5:56178189-56179388; plus strand). Cytogenetic location: 5q11.2.
Variant type: single nucleotide variant.
Coding change: c.3263G>C on transcript NM_005921.2 (MANE Select); coding-DNA position 3263, G replaced by C.
Protein change: p.Ser1088Thr; replaces serine 1088 with threonine.
Molecular consequence: missense variant.
Genome position (GRCh38, 1-based): chr5:56,882,463, G>C. VCF-style: chr5-56882463-G-C. GRCh37 (hg19) VCF-style: chr5-56178290-G-C.
Other names: short protein forms S1088T.
Identifiers: ClinVar variation 3710413 (VCV003710413.2).

ClinVar aggregate classification (germline): Uncertain significance (1 of 4 stars; one submission).

Conditions:
46,XY sex reversal 6. Also called: 46,XY SEX REVERSAL, PARTIAL OR COMPLETE, MAP3K1-RELATED; 46,XY GONADAL DYSGENESIS, PARTIAL OR COMPLETE, MAP3K1-RELATED. Identifiers: MedGen C3151064, MONDO:0013410, OMIM 613762.

gnomAD v4.1: 3 of 1,614,144 alleles (0.00019%); highest among the groups gnomAD compares: Admixed American, 0.0033%; no homozygotes.

Submission:

Labcorp Genetics (formerly Invitae), Labcorp
Classification: Uncertain significance for 46,XY sex reversal 6. Last evaluated: 2024-03-13. Review status: criteria provided, single submitter. Criteria: Invitae Variant Classification Sherloc (09022015). Collection method: clinical testing. Allele origin: germline.
Comment: This sequence change replaces serine, which is neutral and polar, with threonine, which is neutral and polar, at codon 1088 of the MAP3K1 protein (p.Ser1088Thr). This variant is present in population databases (no rsID available, gnomAD 0.006%). This variant has not been reported in the literature in individuals affected with MAP3K1-related conditions. Advanced modeling of protein sequence and biophysical properties (such as structural, functional, and spatial information, amino acid conservation, physicochemical variation, residue mobility, and thermodynamic stability) performed at Invitae indicates that this missense variant is not expected to disrupt MAP3K1 protein function with a negative predictive value of 80%. In summary, the available evidence is currently insufficient to determine the role of this variant in disease. Therefore, it has been classified as a Variant of Uncertain Significance.